The following is an entry in ClinVar:

NM_005027.4(PIK3R2):c.1690A>G (p.Lys564Glu)

Gene: PIK3R2 (phosphoinositide-3-kinase regulatory subunit 2; plus strand). Cytogenetic location: 19p13.11.
Variant type: single nucleotide variant.
Coding change: c.1690A>G on transcript NM_005027.4 (MANE Select); coding-DNA position 1690, A replaced by G.
Protein change: p.Lys564Glu; replaces lysine 564 with glutamic acid.
Molecular consequence: missense variant. On other transcripts: non-coding transcript variant (2).
Genome position (GRCh38, 1-based): chr19:18,167,260, A>G. VCF-style: chr19-18167260-A-G. GRCh37 (hg19) VCF-style: chr19-18278070-A-G.
Other names: c.1690A>G, p.Lys564Glu (LRG_1392t1); short protein forms K564E.
Identifiers: ClinVar variation 280388 (VCV000280388.2), dbSNP rs886041602, ClinGen allele CA10603632.

ClinVar aggregate classification (germline): Pathogenic (1 of 4 stars; one submission).

Submission:

GeneDx
Classification: Pathogenic. Last evaluated: 2016-04-01. Review status: criteria provided, single submitter. Criteria: GeneDx Variant Classification (06012015). Collection method: clinical testing. Allele origin: germline. Affected: yes.
Comment: The K564E pathogenic variant in the PIK3R2 gene not been reported previously as a pathogenic variant nor as a benign variant, to our knowledge. The K564E variant was not observed in approximately 6500 individuals of European and African American ancestry in the NHLBI Exome Sequencing Project, indicating it is not a common benign variant in these populations. The K564E variant is a non-conservative amino acid substitution, which is likely to impact secondary protein structure as these residues differ in polarity, charge, size and/or other properties. This substitution occurs at a position that is conserved across species and in silico analysis predicts this variant is probably damaging to the protein structure/function. We interpret K564E as a pathogenic variant.